The following is an entry in ClinVar:

NM_018406.7(MUC4):c.11989C>G (p.His3997Asp)

Gene: MUC4 (mucin 4, cell surface associated). Cytogenetic location: 3q29.
Variant type: single nucleotide variant.
Coding change: c.11989C>G on transcript NM_018406.7 (MANE Select); coding-DNA position 11989, C replaced by G.
Protein change: p.His3997Asp; replaces histidine 3997 with aspartic acid.
Molecular consequence: missense variant. On other transcripts: genic upstream transcript variant (2).
Genome position (GRCh38, 1-based): chr3:195,779,591, G>C on the plus strand (C>G on the coding strand, the complement: MUC4 is on the minus strand). VCF-style: chr3-195779591-G-C. GRCh37 (hg19) VCF-style: chr3-195506462-G-C.
Other names: NC_000003.11:g.195506462G>C; c.17287C>G, p.His5763Asp (NM_001322468.1); c.83-5286C>G (NM_138297.5); c.83-1136C>G (NM_004532.6); short protein forms H3997D, H5763D.
Identifiers: ClinVar variation 2654396 (VCV002654396.25), dbSNP rs879565732, ClinGen allele CA2769113.

ClinVar aggregate classification (germline): Likely benign (1 of 4 stars; one submission).

Allele frequency attached by ClinVar (database versions not stated): gnomAD 0.00140; ExAC 0.00292; 1000 Genomes Project 0.00699.

Submissions (2):

CeGaT Center for Human Genetics Tuebingen
Classification: Likely benign. Last evaluated: 2024-04-01. Review status: criteria provided, single submitter. Criteria: CeGaT Center For Human Genetics Tuebingen Variant Classification Criteria Version 2. Collection method: clinical testing. Allele origin: germline. Affected: yes. Observed: 2 variant alleles.
Comment: MUC4: BS2

Dr. Peter K. Rogan Lab, Western University
No classification provided (evidence only). Condition: Clear cell carcinoma of kidney. Review status: no classification provided. Collection method: in vitro. Allele origin: not applicable. Functional consequence: retained intron. Not counted in ClinVar's aggregate classification.